The following is an entry in ClinVar:

ClinVar aggregate classification (germline): Uncertain significance (1 of 4 stars; one submission).

Conditions:
Inborn genetic diseases. Identifiers: MedGen C0950123, MeSH D030342.

Submission:

Ambry Genetics
Classification: Uncertain significance for Inborn genetic diseases. Last evaluated: 2025-01-03. Review status: criteria provided, single submitter. Criteria: Ambry Variant Classification Scheme 2023. Collection method: clinical testing. Allele origin: germline.
Comment: The p.E771K variant (also known as c.2311G>A), located in coding exon 25 of the RTEL1 gene, results from a G to A substitution at nucleotide position 2311. The glutamic acid at codon 771 is replaced by lysine, an amino acid with similar properties. This amino acid position is conserved. In addition, this alteration is predicted to be tolerated by in silico analysis. Based on the available evidence, the clinical significance of this variant remains unclear.

NM_001283009.2(RTEL1):c.2311G>A (p.Glu771Lys)

Genes: RTEL1 (regulator of telomere elongation helicase 1; plus strand), RTEL1-TNFRSF6B (RTEL1-TNFRSF6B readthrough (NMD candidate); plus strand). Cytogenetic location: 20q13.33.
Variant type: single nucleotide variant.
Coding change: c.2311G>A on transcript NM_001283009.2 (MANE Select); coding-DNA position 2311, G replaced by A.
Protein change: p.Glu771Lys; replaces glutamic acid 771 with lysine.
Molecular consequence: missense variant. On other transcripts: non-coding transcript variant (1).
Genome position (GRCh38, 1-based): chr20:63,690,339, G>A. VCF-style: chr20-63690339-G-A. GRCh37 (hg19) VCF-style: chr20-62321692-G-A.
Other names: c.1642G>A, p.Glu548Lys (NM_001283010.1); c.2311G>A, p.Glu771Lys (NM_016434.4); c.2383G>A, p.Glu795Lys (NM_032957.5); short protein forms E771K, E548K, E795K.
Identifiers: ClinVar variation 3791021 (VCV003791021.1).
Genomic context (GRCh38, chr20:63,690,339, plus strand): 5'-CCCATGGTTCTGCAGATGCCAGCGCCGGCCCCCCGGGCTACAGCACCCAGTGTGCGTGGA[G>A]AAGATGCTGTCAGCGAGGCCAAGTCGCCTGGCCCCTTCTTCTCCACCAGGAAAGCTAAGA-3'
Protein context (NP_001269938.1, residues 761-781): PRATAPSVRG[Glu771Lys]DAVSEAKSPG